The following is an entry in ClinVar:

ClinVar aggregate classification (germline): Likely benign. Review status: criteria provided, multiple submitters, no conflicts (2 of 4 stars). 2 submissions from 2 submitters: Likely benign (2). Last evaluated 2025-11-15.

Conditions:
Developmental and epileptic encephalopathy, 34 (DEE34). Also called: Early infantile epileptic encephalopathy 34; SLC12A5-Related Epilepsy of Infancy with Migrating Focal Seizures. Identifiers: Orphanet 293181, MedGen C4225257, MONDO:0014718, OMIM 616645.

Allele frequency attached by ClinVar (database versions not stated): gnomAD exomes below 0.00001; ExAC 0.00001; gnomAD 0.00001; TOPMed 0.00001.
gnomAD v4.1: 8 of 1,614,108 alleles (0.0005%); highest among the groups gnomAD compares: African/African-American, 0.0013%; no homozygotes.

Submissions (2):

Labcorp Genetics (formerly Invitae), Labcorp
Classification: Likely benign for Developmental and epileptic encephalopathy, 34. Last evaluated: 2025-11-15. Review status: criteria provided, single submitter. Criteria: Invitae Variant Classification Sherloc (09022015). Collection method: clinical testing. Allele origin: germline.

CeGaT Center for Human Genetics Tuebingen
Classification: Likely benign. Last evaluated: 2022-03-01. Review status: criteria provided, single submitter. Criteria: CeGaT Center For Human Genetics Tuebingen Variant Classification Criteria Version 2. Collection method: clinical testing. Allele origin: germline. Affected: yes. Observed: 1 variant allele.
Comment: SLC12A5: BP4, BP7

NM_020708.5(SLC12A5):c.3159C>T (p.Ala1053=)

Gene: SLC12A5 (solute carrier family 12 member 5; plus strand). Cytogenetic location: 20q13.12.
Variant type: single nucleotide variant.
Coding change: c.3159C>T on transcript NM_020708.5 (MANE Select); coding-DNA position 3159, C replaced by T.
Protein change: p.Ala1053=; no amino-acid change (alanine 1053 retained).
Molecular consequence: synonymous variant.
Genome position (GRCh38, 1-based): chr20:46,057,203, C>T. VCF-style: chr20-46057203-C-T. GRCh37 (hg19) VCF-style: chr20-44685842-C-T.
Other names: c.3228C>T, p.Ala1076= (NM_001134771.2).
Identifiers: ClinVar variation 2652364 (VCV002652364.25), dbSNP rs769012834, ClinGen allele CA9887833.